The following is an entry in ClinVar:

NM_020975.6(RET):c.2870C>T (p.Pro957Leu)

Gene: RET (ret proto-oncogene; plus strand). Cytogenetic location: 10q11.21.
Variant type: single nucleotide variant.
Coding change: c.2870C>T on transcript NM_020975.6 (MANE Select); coding-DNA position 2870, C replaced by T.
Protein change: p.Pro957Leu; replaces proline 957 with leucine.
Molecular consequence: missense variant.
Genome position (GRCh38, 1-based): chr10:43,123,739, C>T. VCF-style: chr10-43123739-C-T. GRCh37 (hg19) VCF-style: chr10-43619187-C-T.
Other names: c.2870C>T, p.Pro957Leu (NM_000323.2, NM_001406743.1, NM_001406744.1 and 4 more transcripts); c.2108C>T, p.Pro703Leu (NM_001355216.2); c.2741C>T, p.Pro914Leu (NM_001406761.1, NM_001406762.1, NM_001406764.1); c.2735C>T, p.Pro912Leu (NM_001406763.1, NM_001406765.1); c.2582C>T, p.Pro861Leu (NM_001406766.1, NM_001406767.1, NM_001406770.1); c.2606C>T, p.Pro869Leu (NM_001406768.1); c.2474C>T, p.Pro825Leu (NM_001406769.1, NM_001406772.1); c.2432C>T, p.Pro811Leu (NM_001406771.1, NM_001406773.1); and 10 more; short protein forms P957L, P703L, P562L, P613L, P627L, P825L, P869L, P522L.
Identifiers: ClinVar variation 543731 (VCV000543731.14), dbSNP rs1259087541, ClinGen allele CA376557857.
Genomic context (GRCh38, chr10:43,123,739, plus strand): 5'-TTGGTGTCCTGCTGTGGGAGATCGTGACCCTAGGGGGAAACCCCTATCCTGGGATTCCTC[C>T]TGAGCGGCTCTTCAACCTTCTGAAGACCGGCCACCGGATGGAGAGGCCAGACAACTGCAG-3'
Protein context (NP_066124.1, residues 947-967): LGGNPYPGIP[Pro957Leu]ERLFNLLKTG

ClinVar aggregate classification (germline): Uncertain significance. Review status: criteria provided, multiple submitters, no conflicts (2 of 4 stars). 3 submissions from 3 submitters: Uncertain significance (3). Last evaluated 2025-10-13.

Conditions:
Multiple endocrine neoplasia, type 2 (MEN2). Identifiers: Orphanet 653, MedGen C4048306, MONDO:0019003. Disease mechanism: gain of function.
Hereditary cancer-predisposing syndrome. Also called: Neoplastic Syndromes, Hereditary; Hereditary Cancer Syndrome; Hereditary neoplastic syndrome; Tumor predisposition. Identifiers: Orphanet 140162, MedGen C0027672, MeSH D009386, MONDO:0015356.
Hirschsprung disease, susceptibility to, 1 (HSCR1). Also called: RET-Related Hirschsprung Disease. Identifiers: Orphanet 388, MedGen C3888239, MONDO:0007723, OMIM 142623.

Allele frequency attached by ClinVar (database versions not stated): gnomAD 0.00002.

Submissions (3):

Labcorp Genetics (formerly Invitae), Labcorp
Classification: Uncertain significance for Multiple endocrine neoplasia, type 2. Last evaluated: 2025-10-13. Review status: criteria provided, single submitter. Criteria: Invitae Variant Classification Sherloc (09022015). Collection method: clinical testing. Allele origin: germline.
Comment: This sequence change replaces proline, which is neutral and non-polar, with leucine, which is neutral and non-polar, at codon 957 of the RET protein (p.Pro957Leu). This variant is present in population databases (no rsID available, gnomAD 0.01%). This variant has not been reported in the literature in individuals affected with RET-related conditions. ClinVar contains an entry for this variant (Variation ID: 543731). An algorithm developed to predict the effect of missense changes on protein structure and function (PolyPhen-2) suggests that this variant is likely to be disruptive. In summary, the available evidence is currently insufficient to determine the role of this variant in disease. Therefore, it has been classified as a Variant of Uncertain Significance.

Ambry Genetics
Classification: Uncertain significance for Hereditary cancer-predisposing syndrome. Last evaluated: 2024-10-29. Review status: criteria provided, single submitter. Criteria: Ambry Variant Classification Scheme 2023. Collection method: clinical testing. Allele origin: germline.
Comment: The p.P957L variant (also known as c.2870C>T), located in coding exon 17 of the RET gene, results from a C to T substitution at nucleotide position 2870. The proline at codon 957 is replaced by leucine, an amino acid with similar properties. This amino acid position is highly conserved in available vertebrate species. In addition, the in silico prediction for this alteration is inconclusive. Since supporting evidence is limited at this time, the clinical significance of this alteration remains unclear.

Baylor Genetics
Classification: Uncertain significance for Hirschsprung disease, susceptibility to, 1. Last evaluated: 2023-08-02. Review status: criteria provided, single submitter. Criteria: ACMG Guidelines, 2015. Collection method: clinical testing. Allele origin: unknown.